The following is an entry in ClinVar:

ClinVar aggregate classification (germline): Uncertain significance. Review status: criteria provided, multiple submitters, no conflicts (2 of 4 stars). 3 submissions from 3 submitters: Uncertain significance (2). 1 of the submissions does not count toward it. Last evaluated 2025-12-17.

Conditions:
Fumarase deficiency (FMRD). Also called: Fumarate Hydratase Deficiency; Fumaric aciduria. Identifiers: Orphanet 24, MedGen C0342770, MONDO:0011730, OMIM 606812.
Hereditary cancer-predisposing syndrome. Also called: Hereditary Cancer Syndrome; Neoplastic Syndromes, Hereditary; Hereditary neoplastic syndrome; Tumor predisposition. Identifiers: Orphanet 140162, MedGen C0027672, MeSH D009386, MONDO:0015356.

gnomAD v4.1: 1 of 1,614,182 alleles (0.000062%); highest among the groups gnomAD compares: South Asian, 0.0011%; no homozygotes.

Submissions (3):

Labcorp Genetics (formerly Invitae), Labcorp
Classification: Uncertain significance. Last evaluated: 2025-12-17. Review status: criteria provided, single submitter. Criteria: Invitae Variant Classification Sherloc (09022015). Collection method: clinical testing. Allele origin: germline.
Comment: This sequence change replaces leucine, which is neutral and non-polar, with valine, which is neutral and non-polar, at codon 315 of the FH protein (p.Leu315Val). This variant is not present in population databases (gnomAD no frequency). This variant has not been reported in the literature in individuals affected with FH-related conditions. ClinVar contains an entry for this variant (Variation ID: 823253). Invitae Evidence Modeling of protein sequence and biophysical properties (such as structural, functional, and spatial information, amino acid conservation, physicochemical variation, residue mobility, and thermodynamic stability) indicates that this missense variant is expected to disrupt FH protein function with a positive predictive value of 95%. In summary, the available evidence is currently insufficient to determine the role of this variant in disease. Therefore, it has been classified as a Variant of Uncertain Significance.

Ambry Genetics
Classification: Uncertain significance for Hereditary cancer-predisposing syndrome. Last evaluated: 2024-05-17. Review status: criteria provided, single submitter. Criteria: Ambry Variant Classification Scheme 2023. Collection method: clinical testing. Allele origin: germline.
Comment: The p.L315V variant (also known as c.943C>G), located in coding exon 7 of the FH gene, results from a C to G substitution at nucleotide position 943. The leucine at codon 315 is replaced by valine, an amino acid with highly similar properties. This amino acid position is highly conserved in available vertebrate species. In addition, this alteration is predicted to be deleterious by in silico analysis. Based on the available evidence, the clinical significance of this variant remains unclear.

Natera, Inc.
Classification: Uncertain significance for Fumarase Deficiency. Last evaluated: 2021-01-05. Review status: no assertion criteria provided. Collection method: clinical testing. Allele origin: germline. Not counted in ClinVar's aggregate classification.

NM_000143.4(FH):c.943C>G (p.Leu315Val)

Gene: FH (fumarate hydratase; minus strand). Cytogenetic location: 1q43.
Variant type: single nucleotide variant.
Coding change: c.943C>G on transcript NM_000143.4 (MANE Select); coding-DNA position 943, C replaced by G.
Protein change: p.Leu315Val; replaces leucine 315 with valine.
Molecular consequence: missense variant.
Genome position (GRCh38, 1-based): chr1:241,504,207, G>C on the plus strand (C>G on the coding strand, the complement: FH is on the minus strand). VCF-style: chr1-241504207-G-C. GRCh37 (hg19) VCF-style: chr1-241667507-G-C.
Other names: short protein forms L315V.
Identifiers: ClinVar variation 823253 (VCV000823253.12), dbSNP rs1573880536, ClinGen allele CA345438360.